The following is an entry in ClinVar:

ClinVar aggregate classification (germline): Likely benign (1 of 4 stars; one submission).

Allele frequency attached by ClinVar (database versions not stated): TOPMed 0.00001.
gnomAD v4.1: 3 of 1,595,440 alleles (0.00019%); highest among the groups gnomAD compares: Non-Finnish European, 0.00026%; no homozygotes.

Submission:

GeneDx
Classification: Likely benign. Last evaluated: 2018-03-09. Review status: criteria provided, single submitter. Criteria: GeneDx Variant Classification (06012015). Collection method: clinical testing. Allele origin: germline. Affected: yes.
Comment: This variant is considered likely benign or benign based on one or more of the following criteria: it is a conservative change, it occurs at a poorly conserved position in the protein, it is predicted to be benign by multiple in silico algorithms, and/or has population frequency not consistent with disease.

NM_001083619.3(GRIA2):c.1845-8G>T

Gene: GRIA2 (glutamate ionotropic receptor AMPA type subunit 2; plus strand). Cytogenetic location: 4q32.1.
Variant type: single nucleotide variant.
Coding change: c.1845-8G>T on transcript NM_001083619.3 (MANE Select); 8 bases into the intron before coding-DNA position 1845, G replaced by T.
Molecular consequence: intron variant.
Genome position (GRCh38, 1-based): chr4:157,341,256, G>T. VCF-style: chr4-157341256-G-T. GRCh37 (hg19) VCF-style: chr4-158262408-G-T.
Other names: c.1704-8G>T (NM_001379000.3, NM_001379001.3, NM_001083620.3); c.1845-8G>T (NM_000826.6).
Identifiers: ClinVar variation 680117 (VCV000680117.1), dbSNP rs778138800, ClinGen allele CA645540131.